The following is an entry in ClinVar:

NM_002880.4(RAF1):c.435G>T (p.Thr145=)

Gene: RAF1 (Raf-1 proto-oncogene, serine/threonine kinase; minus strand). Cytogenetic location: 3p25.2.
Variant type: single nucleotide variant.
Coding change: c.435G>T on transcript NM_002880.4 (MANE Select); coding-DNA position 435, G replaced by T.
Protein change: p.Thr145=; no amino-acid change (threonine 145 retained).
Molecular consequence: synonymous variant. On other transcripts: non-coding transcript variant (3).
Genome position (GRCh38, 1-based): chr3:12,608,912, C>A on the plus strand (G>T on the coding strand, the complement: RAF1 is on the minus strand). VCF-style: chr3-12608912-C-A. GRCh37 (hg19) VCF-style: chr3-12650411-C-A.
Other names: c.435G>T, p.Thr145= (NM_001354689.3, NM_001354690.3, NM_001354693.3); c.192G>T, p.Thr64= (NM_001354691.3, NM_001354692.3, NM_001354694.3 and 1 more transcripts).
Identifiers: ClinVar variation 389856 (VCV000389856.1), dbSNP rs371565419, ClinGen allele CA16604364.

ClinVar aggregate classification (germline): Likely benign (1 of 4 stars; one submission).

Allele frequency attached by ClinVar (database versions not stated): TOPMed 0.00001.
gnomAD v4.1: 3 of 1,614,096 alleles (0.00019%); highest among the groups gnomAD compares: East Asian, 0.0067%; no homozygotes.

Submission:

GeneDx
Classification: Likely benign. Last evaluated: 2016-10-27. Review status: criteria provided, single submitter. Criteria: GeneDx Variant Classification (06012015). Collection method: clinical testing. Allele origin: germline. Affected: yes.
Comment: This variant is considered likely benign or benign based on one or more of the following criteria: it is a conservative change, it occurs at a poorly conserved position in the protein, it is predicted to be benign by multiple in silico algorithms, and/or has population frequency not consistent with disease.